The following is an entry in ClinVar:

NM_020223.4(FAM20C):c.1741G>A (p.Ala581Thr)

Gene: FAM20C (FAM20C golgi associated secretory pathway kinase; plus strand). Cytogenetic location: 7p22.3.
Variant type: single nucleotide variant.
Coding change: c.1741G>A on transcript NM_020223.4 (MANE Select); coding-DNA position 1741, G replaced by A.
Protein change: p.Ala581Thr; replaces alanine 581 with threonine.
Molecular consequence: missense variant.
Genome position (GRCh38, 1-based): chr7:259,966, G>A. VCF-style: chr7-259966-G-A. GRCh37 (hg19) VCF-style: chr7-299932-G-A.
Other names: c.1741G>A (NM_020223.2); short protein forms A581T.
Identifiers: ClinVar variation 2188097 (VCV002188097.2), dbSNP rs565864949, ClinGen allele CA152289135.
Genomic context (GRCh38, chr7:259,966, plus strand): 5'-GTGGAGAGGAACGGGCTCCACAGCGTGGTGGATGACGACCTGGACACTGAGCACAGAGCC[G>A]CCTCGGCGAGGTAGTGTCCGCCGGCCGCTGCGCTGCCCGGGACGGAGACAGAGGCGCCGG-3'
Protein context (NP_064608.2, residues 571-584): DDDLDTEHRA[Ala581Thr]SAR

ClinVar aggregate classification (germline): Uncertain significance. Review status: criteria provided, multiple submitters, no conflicts (2 of 4 stars). 2 submissions from 2 submitters: Uncertain significance (2). Last evaluated 2022-07-21.

Conditions:
Inborn genetic diseases. Identifiers: MedGen C0950123, MeSH D030342.

gnomAD v4.1: 93 of 1,515,996 alleles (0.0061%); highest among the groups gnomAD compares: Admixed American, 0.051%; no homozygotes.

Submissions (2):

Labcorp Genetics (formerly Invitae), Labcorp
Classification: Uncertain significance. Last evaluated: 2022-07-21. Review status: criteria provided, single submitter. Criteria: Invitae Variant Classification Sherloc (09022015). Collection method: clinical testing. Allele origin: germline.
Comment: This sequence change replaces alanine, which is neutral and non-polar, with threonine, which is neutral and polar, at codon 581 of the FAM20C protein (p.Ala581Thr). This variant is present in population databases (rs565864949, gnomAD 0.06%). This variant has not been reported in the literature in individuals affected with FAM20C-related conditions. Algorithms developed to predict the effect of missense changes on protein structure and function output the following: SIFT: "Tolerated"; PolyPhen-2: "Benign"; Align-GVGD: "Class C0". The threonine amino acid residue is found in multiple mammalian species, which suggests that this missense change does not adversely affect protein function. In summary, the available evidence is currently insufficient to determine the role of this variant in disease. Therefore, it has been classified as a Variant of Uncertain Significance.

Ambry Genetics
Classification: Uncertain significance for Inborn genetic diseases. Last evaluated: 2021-03-26. Review status: criteria provided, single submitter. Criteria: Ambry Variant Classification Scheme 2023. Collection method: clinical testing. Allele origin: germline.
Comment: The c.1741G>A (p.A581T) alteration is located in exon 10 (coding exon 10) of the FAM20C gene. This alteration results from a G to A substitution at nucleotide position 1741, causing the alanine (A) at amino acid position 581 to be replaced by a threonine (T). The p.A581T alteration is predicted to be tolerated by in silico analysis. Based on insufficient or conflicting evidence, the clinical significance of this alteration remains unclear.